The following is an entry in ClinVar:

ClinVar aggregate classification (germline): Uncertain significance (1 of 4 stars; one submission).

Conditions:
Inborn genetic diseases. Identifiers: MedGen C0950123, MeSH D030342.

Submission:

Ambry Genetics
Classification: Uncertain significance for Inborn genetic diseases. Last evaluated: 2024-09-13. Review status: criteria provided, single submitter. Criteria: Ambry Variant Classification Scheme 2023. Collection method: clinical testing. Allele origin: germline.
Comment: The p.I1868V variant (also known as c.5602A>G), located in coding exon 38 of the LRRK2 gene, results from an A to G substitution at nucleotide position 5602. The isoleucine at codon 1868 is replaced by valine, an amino acid with highly similar properties. This amino acid position is conserved. In addition, this alteration is predicted to be tolerated by in silico analysis. Since supporting evidence is limited at this time, the clinical significance of this alteration remains unclear.

NM_198578.4(LRRK2):c.5602A>G (p.Ile1868Val)

Gene: LRRK2 (leucine rich repeat kinase 2; plus strand). Cytogenetic location: 12q12.
Variant type: single nucleotide variant.
Coding change: c.5602A>G on transcript NM_198578.4 (MANE Select); coding-DNA position 5602, A replaced by G.
Protein change: p.Ile1868Val; replaces isoleucine 1868 with valine.
Molecular consequence: missense variant.
Genome position (GRCh38, 1-based): chr12:40,323,252, A>G. VCF-style: chr12-40323252-A-G. GRCh37 (hg19) VCF-style: chr12-40717054-A-G.
Other names: short protein forms I1868V.
Identifiers: ClinVar variation 1748581 (VCV001748581.3), dbSNP rs1945452755, ClinGen allele CA384421144.